The following is an entry in ClinVar:

NM_000321.3(RB1):c.634C>A (p.Leu212Met)

Gene: RB1 (RB transcriptional corepressor 1; plus strand). Cytogenetic location: 13q14.2.
Variant type: single nucleotide variant.
Coding change: c.634C>A on transcript NM_000321.3 (MANE Select); coding-DNA position 634, C replaced by A.
Protein change: p.Leu212Met; replaces leucine 212 with methionine.
Molecular consequence: missense variant.
Genome position (GRCh38, 1-based): chr13:48,360,043, C>A. VCF-style: chr13-48360043-C-A. GRCh37 (hg19) VCF-style: chr13-48934179-C-A.
Other names: short protein forms L212M.
Identifiers: ClinVar variation 852857 (VCV000852857.15), dbSNP rs147085238, ClinGen allele CA388158198.

ClinVar aggregate classification (germline): Conflicting classifications of pathogenicity. Review status: criteria provided, conflicting classifications (1 of 4 stars). 5 submissions from 5 submitters: Uncertain significance (4); Likely benign (1). Last evaluated 2025-06-20.

Conditions:
Hereditary cancer-predisposing syndrome. Also called: Neoplastic Syndromes, Hereditary; Hereditary Cancer Syndrome; Tumor predisposition; Hereditary neoplastic syndrome. Identifiers: Orphanet 140162, MedGen C0027672, MeSH D009386, MONDO:0015356.
Retinoblastoma (RB1). Also called: RETINOBLASTOMA, SOMATIC. Identifiers: Orphanet 790, MedGen C0035335, MeSH D012175, MONDO:0008380, OMIM 180200, HP:0009919. Disease mechanism: loss of function. Inheritance: Both sporadic and heritable forms are tested..

Allele frequency attached by ClinVar (database versions not stated): gnomAD 0.00001; TOPMed 0.00001.
gnomAD v4.1: 1 of 1,611,992 alleles (0.000062%); highest among the groups gnomAD compares: Non-Finnish European, 0.000085%; no homozygotes.

Submissions (5):

Labcorp Genetics (formerly Invitae), Labcorp
Classification: Likely benign for Retinoblastoma. Last evaluated: 2025-06-20. Review status: criteria provided, single submitter. Criteria: Invitae Variant Classification Sherloc (09022015). Collection method: clinical testing. Allele origin: germline.

Ambry Genetics
Classification: Uncertain significance for Hereditary cancer-predisposing syndrome. Last evaluated: 2024-10-25. Review status: criteria provided, single submitter. Criteria: Ambry Variant Classification Scheme 2023. Collection method: clinical testing. Allele origin: germline.
Comment: The p.L212M variant (also known as c.634C>A), located in coding exon 7 of the RB1 gene, results from a C to A substitution at nucleotide position 634. The leucine at codon 212 is replaced by methionine, an amino acid with highly similar properties. This amino acid position is conserved. In addition, the in silico prediction for this alteration is inconclusive. Since supporting evidence is limited at this time, the clinical significance of this alteration remains unclear.

All of Us Research Program, National Institutes of Health
Classification: Uncertain significance for Retinoblastoma. Last evaluated: 2024-06-09. Review status: criteria provided, single submitter. Criteria: ACMG Guidelines, 2015. Collection method: clinical testing. Allele origin: germline. Inheritance: Autosomal dominant inheritance. Observed: 2 variant alleles, 2 heterozygotes.
Comment: This missense variant replaces leucine with methionine at codon 212 of the RB1 protein. Computational prediction is inconclusive regarding the impact of this variant on protein structure and function (internally defined REVEL score threshold 0.5 < inconclusive < 0.7, PMID: 27666373). To our knowledge, functional studies have not been reported for this variant. This variant has not been reported in individuals affected with hereditary cancer in the literature. This variant has not been identified in the general population by the Genome Aggregation Database (gnomAD). The available evidence is insufficient to determine the role of this variant in disease conclusively. Therefore, this variant is classified as a Variant of Uncertain Significance.

This study involves interpretation of variants in research participants for the purpose of population health screening. Participant phenotype was not available at the time of variant classification. Additional details can be found in publication PMID: 35346344, PMCID: PMC8962531

Color Diagnostics, LLC DBA Color Health
Classification: Uncertain significance for Retinoblastoma. Last evaluated: 2024-02-12. Review status: criteria provided, single submitter. Criteria: ACMG Guidelines, 2015. Collection method: clinical testing. Allele origin: germline.
Comment: This missense variant replaces leucine with methionine at codon 212 of the RB1 protein. Computational prediction is inconclusive regarding the impact of this variant on protein structure and function. To our knowledge, functional studies have not been reported for this variant. This variant has not been reported in individuals affected with hereditary cancer in the literature. This variant has not been identified in the general population by the Genome Aggregation Database (gnomAD). The available evidence is insufficient to determine the role of this variant in disease conclusively. Therefore, this variant is classified as a Variant of Uncertain Significance.

GeneDx
Classification: Uncertain significance. Last evaluated: 2024-01-02. Review status: criteria provided, single submitter. Criteria: GeneDx Variant Classification Process June 2021. Collection method: clinical testing. Allele origin: germline. Affected: yes.
Comment: Not observed at significant frequency in large population cohorts (gnomAD); In silico analysis supports that this missense variant does not alter protein structure/function; Has not been previously published as pathogenic or benign to our knowledge; This variant is associated with the following publications: (PMID: 23516486)